The following is an entry in ClinVar:

ClinVar aggregate classification (germline): Likely benign (1 of 4 stars; one submission).

Allele frequency attached by ClinVar (database versions not stated): ExAC 0.00083.

Submission:

CeGaT Center for Human Genetics Tuebingen
Classification: Likely benign. Last evaluated: 2023-06-01. Review status: criteria provided, single submitter. Criteria: CeGaT Center For Human Genetics Tuebingen Variant Classification Criteria Version 2. Collection method: clinical testing. Allele origin: germline. Affected: yes. Observed: 1 variant allele.
Comment: PRB3: BP4, BP7

NM_001394862.1(PRB3):c.468G>A (p.Pro156=)

Gene: PRB3 (proline rich protein BstNI subfamily 3; minus strand). Cytogenetic location: 12p13.2.
Variant type: single nucleotide variant.
Coding change: c.468G>A on transcript NM_001394862.1 (MANE Select); coding-DNA position 468, G replaced by A.
Protein change: p.Pro156=; no amino-acid change (proline 156 retained).
Molecular consequence: synonymous variant.
Genome position (GRCh38, 1-based): chr12:11,267,781, C>T on the plus strand (G>A on the coding strand, the complement: PRB3 is on the minus strand). VCF-style: chr12-11267781-C-T. GRCh37 (hg19) VCF-style: chr12-11420715-C-T.
Other names: c.468G>A, p.Pro156= (NM_006249.5).
Identifiers: ClinVar variation 2642710 (VCV002642710.24), dbSNP rs11054207, ClinGen allele CA6452160.
Genomic context (GRCh38, chr12:11,267,781, plus strand): 5'-GGGACCTTGGGACTGGTTTCCTCCTTGTGGGGGTGGTCCTTCTGGCTTTCCCGGACGAGG[C>T]GGGGGACCTTGGGACTGGTTTCCTCCTTGTGGGGGTGGTCCTTCTGGCTTTCCCGGACGA-3'
Protein context (NP_001381791.1, residues 146-166): PQGGNQSQGP[Pro156=]PRPGKPEGPP